The following is an entry in ClinVar:

ClinVar aggregate classification (germline): Conflicting classifications of pathogenicity. Review status: criteria provided, conflicting classifications (1 of 4 stars). 13 submissions from 13 submitters: Uncertain significance (8); Benign (1); Likely benign (3). 1 of the submissions does not count toward it. Last evaluated 2026-01-26.

Conditions:
Lynch syndrome. Identifiers: Orphanet 144, MedGen C4552100, MONDO:0005835. Disease mechanism: loss of function.
Lynch syndrome 4 (LYNCH4). Also called: Hereditary non-polyposis colorectal cancer, type 4; Colorectal cancer, hereditary nonpolyposis, type 4. Identifiers: Orphanet 144, MedGen C1838333, MONDO:0013699, OMIM 614337. Disease mechanism: loss of function.
Malignant tumor of breast. Also called: Malignant breast neoplasm; Cancer breast. Identifiers: MedGen C0006142, MONDO:0007254. Disease mechanism: loss of function.
Hereditary nonpolyposis colorectal neoplasms. Identifiers: MedGen C0009405, MeSH D003123.
Hereditary cancer-predisposing syndrome. Also called: Neoplastic Syndromes, Hereditary; Hereditary Cancer Syndrome; Tumor predisposition; Hereditary neoplastic syndrome. Identifiers: Orphanet 140162, MedGen C0027672, MeSH D009386, MONDO:0015356.

Allele frequency attached by ClinVar (database versions not stated): ExAC 0.00002; gnomAD exomes 0.00003 and 0.00010; TOPMed 0.00005; gnomAD 0.00006; ESP Exome Variant Server 0.00008.
gnomAD v4.1: 170 of 1,614,016 alleles (0.011%); highest among the groups gnomAD compares: Non-Finnish European, 0.013%; no homozygotes.

Submissions 1 to 7 of 13:

Labcorp Genetics (formerly Invitae), Labcorp
Classification: Benign for Hereditary nonpolyposis colorectal neoplasms. Last evaluated: 2026-01-26. Review status: criteria provided, single submitter. Criteria: Invitae Variant Classification Sherloc (09022015). Collection method: clinical testing. Allele origin: germline.

Quest Diagnostics Nichols Institute San Juan Capistrano
Classification: Uncertain significance. Last evaluated: 2025-11-05. Review status: criteria provided, single submitter. Criteria: Quest Diagnostics criteria. Collection method: clinical testing. Allele origin: unknown.
Comment: The PMS2 c.1510G>C (p.Glu504Gln) variant has been reported in the published literature in individuals with colorectal cancer or Lynch syndrome (PMID: 28135145 (2017), 39334433 (2024)), breast cancer as well as in reportedly unaffected individuals in a case-control study (PMID: 33471991 (2021), see LOVD). This variant has been seen identified to occur with a pathogenic MLH1 variant (MLH1 c. 1744C>T) in an individual with Lynch syndrome (PMID: 27435373 (2016)). Assessment of experimental evidence regarding the effect of this variant on protein function suggests it has no effect relevant to disease (PMID: 27435373 (2016)). The frequency of this variant in the general population (Genome Aggregation Database) is uninformative in the assessment of its pathogenicity. Analysis of this variant using bioinformatics tools for the prediction of the effect of amino acid changes on protein structure and function yielded conflicting predictions that this variant is benign or damaging. Based on the available information, we are unable to determine the clinical significance of this variant.

GeneDx
Classification: Uncertain significance. Last evaluated: 2025-03-28. Review status: criteria provided, single submitter. Criteria: GeneDx Variant Classification Process June 2021. Collection method: clinical testing. Allele origin: germline. Affected: yes.
Comment: Observed in individuals with colorectal or breast cancer and also in unaffected controls (PMID: 27435373, 28135145, 33471991); In silico analysis indicates that this missense variant does not alter protein structure/function; This variant is associated with the following publications: (PMID: 27435373, 26333163, 28135145, 33471991, 38136308)

Molecular Diagnostics Laboratory, Catalan Institute of Oncology
Classification: Likely benign for Hereditary cancer-predisposing syndrome. Last evaluated: 2025-01-08. Review status: criteria provided, single submitter. Criteria: MMR VCEP Paper Draft V3.1. Collection method: clinical testing. Allele origin: germline.
Comment: BP4, BP5 c.1510G>C, located in exon 11 of the PMS2 gene, is predicted to result in the substitution of glutamic acid by glutamine at codon 504, p.(Glu504Gln). This variant is found in 8/268270 alleles at a frequency of 0.003% in the gnomAD v2.1.1 database, non-cancer dataset. Computational tools for this variant suggest no significant impact on splicing and does not affect the protein function (MAPP+PolyPhen-2 prior probability for pathogenicity: 0.001) (BP4). This variant is found in afunctional assays showing similar function to wildtype (PMID: 27435373). This variant has been reported in at least 2 colorectal cancer patients with either confirmed somatic BRAF V600E or microsatellite stability (PMID: 27435373, 34162944) (BP5). This variant has been reported in the ClinVar database (2x likely benign, 7x uncertain significance) and in LOVD (1x likely benign, 1x uncertain significance), and it has been classified as uncertain significance by InSiGHT. Based on currently available information, the variant c.1510G>C should be considered a likely benign variant according to MMR-specific InSIGHT Guidelines, Draft v3.1.

Women's Health and Genetics/Laboratory Corporation of America, LabCorp
Classification: Uncertain significance. Last evaluated: 2024-09-23. Review status: criteria provided, single submitter. Criteria: LabCorp Variant Classification Summary - May 2015. Collection method: clinical testing. Allele origin: germline.
Comment: Variant summary: PMS2 c.1510G>C (p.Glu504Gln) results in a conservative amino acid change in the encoded protein sequence. Three of five in-silico tools predict a benign effect of the variant on protein function. Several computational tools predict a significant impact on normal splicing: Two predict the variant creates a 3 acceptor site. However, these predictions have yet to be confirmed by functional studies. The variant allele was found at a frequency of 2.8e-05 in 251388 control chromosomes. The available data on variant occurrences in the general population are insufficient to allow any conclusion about variant significance. c.1510G>C has been reported in the literature in individuals suspected with Lynch Syndrome or colorectal cancer (van der Klift_2016, Yurgelum_2017). These report(s) do not provide unequivocal conclusions about association of the variant with Hereditary Nonpolyposis Colorectal Cancer. At least one publication reports this variant was proficient in mismatch repair (MMR) activity, showing no damaging effect of this variant (Klift_2016). The following publications have been ascertained in the context of this evaluation (PMID: 26333163, 28135145, 27435373). ClinVar contains an entry for this variant (Variation ID: 91305). Based on the evidence outlined above, the variant was classified as VUS-possibly benign.

Molecular Pathology, Peter Maccallum Cancer Centre
Classification: Uncertain significance for Lynch syndrome 4. Last evaluated: 2024-07-21. Review status: criteria provided, single submitter. Criteria: ACMG Guidelines, 2015. Collection method: clinical testing. Allele origin: germline. Inheritance: Autosomal dominant inheritance.

All of Us Research Program, National Institutes of Health
Classification: Uncertain significance for Lynch syndrome. Last evaluated: 2024-06-11. Review status: criteria provided, single submitter. Criteria: ACMG Guidelines, 2015. Collection method: clinical testing. Allele origin: germline. Inheritance: Autosomal dominant inheritance. Observed: 30 variant alleles, 30 heterozygotes.
Comment: This missense variant replaces glutamic acid with glutamine at codon 504 of the PMS2 protein. Computational prediction suggests that this variant may not impact protein structure and function (internally defined REVEL score threshold <= 0.5, PMID: 27666373). A functional study has shown that this variant does not impact mismatch-repair activity of the PMS2 protein (PMID: 27435373). This variant has been reported in an individual affected with suspected Lynch syndrome with tumor data demonstrating high microsatellite instability and loss of MLH1 and PMS2 via immunohistochemistry (PMID: 27435373). This individual also carried another MLH1 variant. This variant has also been reported in an individual affected with colorectal cancer (PMID: 28135145). This variant has also been identified in 9/282786 chromosomes in the general population by the Genome Aggregation Database (gnomAD). The available evidence is insufficient to determine the role of this variant in disease conclusively. Therefore, this variant is classified as a Variant of Uncertain Significance.

This study involves interpretation of variants in research participants for the purpose of population health screening. Participant phenotype was not available at the time of variant classification. Additional details can be found in publication PMID: 35346344, PMCID: PMC8962531

NM_000535.7(PMS2):c.1510G>C (p.Glu504Gln)

Gene: PMS2 (PMS1 homolog 2, mismatch repair system component; minus strand). Cytogenetic location: 7p22.1.
Variant type: single nucleotide variant.
Coding change: c.1510G>C on transcript NM_000535.7 (MANE Select); coding-DNA position 1510, G replaced by C.
Protein change: p.Glu504Gln; replaces glutamic acid 504 with glutamine.
Molecular consequence: missense variant. On other transcripts: non-coding transcript variant (1).
Genome position (GRCh38, 1-based): chr7:5,987,255, C>G on the plus strand (G>C on the coding strand, the complement: PMS2 is on the minus strand). VCF-style: chr7-5987255-C-G. GRCh37 (hg19) VCF-style: chr7-6026886-C-G.
Other names: c.1105G>C, p.Glu369Gln (NM_001322003.2, NM_001322004.2, NM_001322005.2 and 1 more transcripts); c.1354G>C, p.Glu452Gln (NM_001322006.2); c.1192G>C, p.Glu398Gln (NM_001322007.2, NM_001322008.2); c.949G>C, p.Glu317Gln (NM_001322010.2); c.577G>C, p.Glu193Gln (NM_001322011.2, NM_001322012.2); c.937G>C, p.Glu313Gln (NM_001322013.2); c.1510G>C, p.Glu504Gln (NM_001322014.2); c.1201G>C, p.Glu401Gln (NM_001322015.2); short protein forms E504Q, E193Q, E398Q, E401Q, E313Q, E317Q, E369Q, E452Q.
Identifiers: ClinVar variation 91305 (VCV000091305.46), dbSNP rs368516768, ClinGen allele CA009792.
Genomic context (GRCh38, chr7:5,987,255, plus strand): 5'-GGGAGCTGGCCGCATACTCGCTGCTGCAGTGACTGCCCGTGTCTGGGATGCTGAACCCCT[C>G]AGAATCCACGGAAGTGCTGCCGTGCCCCGAGTCCTTCTCCACCTCCGCTCTGTCCGTAGG-3'
Protein context (NP_000526.2, residues 494-514): SGHGSTSVDS[Glu504Gln]GFSIPDTGSH